The following is an entry in ClinVar:

ClinVar aggregate classification (germline): Benign. Review status: criteria provided, multiple submitters, no conflicts (2 of 4 stars). 4 submissions from 4 submitters: Benign (3). 1 of the submissions does not count toward it. Last evaluated 2026-01-19.

Conditions:
MCM2-related disorder. Also called: MCM2-related condition.

Allele frequency attached by ClinVar (database versions not stated): TOPMed 0.01423; ESP Exome Variant Server 0.01445; 1000 Genomes Project 30x 0.01546; gnomAD exomes 0.00125 and 0.00328; ExAC 0.00409; gnomAD 0.01264 and 0.01377; 1000 Genomes Project 0.01358.
gnomAD v4.1: 3,873 of 1,613,972 alleles (0.24%); highest among the groups gnomAD compares: African/African-American, 4.3%; 68 homozygotes.

Submissions (4):

Labcorp Genetics (formerly Invitae), Labcorp
Classification: Benign. Last evaluated: 2026-01-19. Review status: criteria provided, single submitter. Criteria: Invitae Variant Classification Sherloc (09022015). Collection method: clinical testing. Allele origin: germline.

GeneDx
Classification: Benign. Last evaluated: 2018-05-04. Review status: criteria provided, single submitter. Criteria: GeneDx Variant Classification (06012015). Collection method: clinical testing. Allele origin: germline. Affected: yes.
Comment: This variant is considered likely benign or benign based on one or more of the following criteria: it is a conservative change, it occurs at a poorly conserved position in the protein, it is predicted to be benign by multiple in silico algorithms, and/or has population frequency not consistent with disease.

Breakthrough Genomics
Classification: Benign. Review status: criteria provided, single submitter. Criteria: ACMG Guidelines, 2015. Collection method: not provided. Allele origin: germline. Inheritance: Autosomal dominant inheritance. Affected: yes.

PreventionGenetics, part of Exact Sciences
Classification: Benign for MCM2-related condition. Last evaluated: 2019-07-12. Review status: no assertion criteria provided. Collection method: clinical testing. Allele origin: germline. Not counted in ClinVar's aggregate classification.
Comment: This variant is classified as benign based on ACMG/AMP sequence variant interpretation guidelines (Richards et al. 2015 PMID: 25741868, with internal and published modifications).

NM_004526.4(MCM2):c.204T>G (p.Asp68Glu)

Gene: MCM2 (minichromosome maintenance complex component 2; plus strand). Cytogenetic location: 3q21.3.
Variant type: single nucleotide variant.
Coding change: c.204T>G on transcript NM_004526.4 (MANE Select); coding-DNA position 204, T replaced by G.
Protein change: p.Asp68Glu; replaces aspartic acid 68 with glutamic acid.
Molecular consequence: missense variant. On other transcripts: non-coding transcript variant (1).
Genome position (GRCh38, 1-based): chr3:127,599,515, T>G. VCF-style: chr3-127599515-T-G. GRCh37 (hg19) VCF-style: chr3-127318358-T-G.
Other names: short protein forms D68E.
Identifiers: ClinVar variation 678700 (VCV000678700.14), dbSNP rs3087452, ClinGen allele CA2595494.